The following is an entry in ClinVar:

ClinVar aggregate classification (germline): Uncertain significance (1 of 4 stars; one submission).

Conditions:
Inborn genetic diseases. Identifiers: MedGen C0950123, MeSH D030342.

gnomAD v4.1: 17 of 1,201,508 alleles (0.0014%); highest among the groups gnomAD compares: Non-Finnish European, 0.0019%; no homozygotes.

Submission:

Ambry Genetics
Classification: Uncertain significance for Inborn genetic diseases. Last evaluated: 2026-08-23. Review status: criteria provided, single submitter. Criteria: Ambry Variant Classification Scheme 2023. Collection method: clinical testing. Allele origin: germline.
Comment: The c.2159C>G (p.T720S) alteration is located in exon 2 (coding exon 2) of the PCDH19 gene. This alteration results from a C to G substitution at nucleotide position 2159, causing the threonine (T) at amino acid position 720 to be replaced by a serine (S). Based on data from gnomAD, the G allele has an overall frequency of <0.001% (0/159878) total alleles studied. The highest observed frequency was <0.001% (/) of alleles. Based on insufficient or conflicting evidence, the clinical significance of this alteration remains unclear.

NM_001184880.2(PCDH19):c.2159C>G (p.Thr720Ser)

Gene: PCDH19 (protocadherin 19; minus strand). Cytogenetic location: Xq22.1.
Variant type: single nucleotide variant.
Coding change: c.2159C>G on transcript NM_001184880.2 (MANE Select); coding-DNA position 2159, C replaced by G.
Protein change: p.Thr720Ser; replaces threonine 720 with serine.
Molecular consequence: missense variant. On other transcripts: intron variant (2).
Genome position (GRCh38, 1-based): chrX:100,403,653, G>C on the plus strand (C>G on the coding strand, the complement: PCDH19 is on the minus strand). VCF-style: chrX-100403653-G-C. GRCh37 (hg19) VCF-style: chrX-99658651-G-C.
Other names: c.2148-802C>G (NM_020766.3, NM_001105243.2); short protein forms T720S.
Identifiers: ClinVar variation 5026330 (VCV005026330.1).